The following is an entry in ClinVar:

ClinVar aggregate classification (germline): Conflicting classifications of pathogenicity. Review status: criteria provided, conflicting classifications (1 of 4 stars). 8 submissions from 8 submitters: Uncertain significance (1); Benign (1); Likely benign (6). Last evaluated 2026-05-01.

Conditions:
Hereditary cancer-predisposing syndrome. Also called: Neoplastic Syndromes, Hereditary; Hereditary neoplastic syndrome; Tumor predisposition; Hereditary Cancer Syndrome. Identifiers: Orphanet 140162, MedGen C0027672, MeSH D009386, MONDO:0015356.
Hereditary diffuse gastric adenocarcinoma (HDGC). Also called: DIFFUSE GASTRIC AND LOBULAR BREAST CANCER SYNDROME. Identifiers: Orphanet 26106, MedGen C1708349, MONDO:0007648, OMIM 137215.

Allele frequency attached by ClinVar (database versions not stated): TOPMed 0.00001.
gnomAD v4.1: 8 of 1,613,556 alleles (0.0005%); highest among the groups gnomAD compares: South Asian, 0.0011%; no homozygotes.

Submissions (8):

CeGaT Center for Human Genetics Tuebingen
Classification: Likely benign. Last evaluated: 2026-05-01. Review status: criteria provided, single submitter. Criteria: CeGaT Center For Human Genetics Tuebingen Variant Classification Criteria Version 2. Collection method: clinical testing. Allele origin: germline. Affected: yes. Observed: 2 variant alleles.
Comment: CDH1: BP4, BP7

Labcorp Genetics (formerly Invitae), Labcorp
Classification: Likely benign for Hereditary diffuse gastric adenocarcinoma. Last evaluated: 2025-06-11. Review status: criteria provided, single submitter. Criteria: Invitae Variant Classification Sherloc (09022015). Collection method: clinical testing. Allele origin: germline.

Blueprint Genetics
Classification: Likely benign. Last evaluated: 2024-10-24. Review status: criteria provided, single submitter. Criteria: ACMG Guidelines, 2015. Collection method: clinical testing. Allele origin: germline.

Myriad Genetics, Inc.
Classification: Benign for Hereditary diffuse gastric adenocarcinoma. Last evaluated: 2024-09-12. Review status: criteria provided, single submitter. Criteria: Myriad Autosomal Dominant, Autosomal Recessive and X-Linked Classification Criteria (2023). Collection method: clinical testing. Allele origin: unknown.
Comment: This variant is considered benign. This variant is a silent/synonymous amino acid change and it is not expected to impact splicing.

European Reference Network on Genetic Tumour Risk Syndromes (ERN-GENTURIS), i3s - Instituto de Investigação e Inovação em Saúde, University of Porto
Classification: Uncertain significance for Hereditary diffuse gastric adenocarcinoma. Last evaluated: 2022-08-01. Review status: criteria provided, single submitter. Criteria: Lee et al. (Hum Mutat. 2018). Collection method: clinical testing. Allele origin: germline. Inheritance: Autosomal dominant inheritance. Affected: yes. Study: ERN GENTURIS.
Comment: BP7 (PMID: 30311375)

Color Diagnostics, LLC DBA Color Health
Classification: Likely benign for Hereditary cancer-predisposing syndrome. Last evaluated: 2019-12-23. Review status: criteria provided, single submitter. Criteria: ACMG Guidelines, 2015. Collection method: clinical testing. Allele origin: germline.

GeneDx
Classification: Likely benign. Last evaluated: 2019-09-19. Review status: criteria provided, single submitter. Criteria: GeneDx Variant Classification Process June 2021. Collection method: clinical testing. Allele origin: germline. Affected: yes.

Ambry Genetics
Classification: Likely benign for Hereditary cancer-predisposing syndrome. Last evaluated: 2019-08-19. Review status: criteria provided, single submitter. Criteria: Ambry Variant Classification Scheme 2023. Collection method: clinical testing. Allele origin: germline.

Literature cited by the submitters: PubMed 36436516 (cited by European Reference Network on Genetic Tumour Risk Syndromes (ERN-GENTURIS), i3s - Instituto de Investigação e Inovação em Saúde, University of Porto).

NM_004360.5(CDH1):c.375C>T (p.Pro125=)

Gene: CDH1 (cadherin 1; plus strand). Cytogenetic location: 16q22.1.
Variant type: single nucleotide variant.
Coding change: c.375C>T on transcript NM_004360.5 (MANE Select); coding-DNA position 375, C replaced by T.
Protein change: p.Pro125=; no amino-acid change (proline 125 retained).
Molecular consequence: synonymous variant. On other transcripts: 5 prime UTR variant (2).
Genome position (GRCh38, 1-based): chr16:68,801,881, C>T. VCF-style: chr16-68801881-C-T. GRCh37 (hg19) VCF-style: chr16-68835784-C-T.
Other names: c.375C>T (LRG_301t1); c.375C>T, p.Pro125= (NM_001317184.2); c.-1241C>T (NM_001317185.2); c.-1445C>T (NM_001317186.2).
Identifiers: ClinVar variation 384679 (VCV000384679.25), dbSNP rs773044699, ClinGen allele CA16608233.